The following is an entry in ClinVar:

ClinVar aggregate classification (germline): Uncertain significance (1 of 4 stars; one submission).

Conditions:
Acquired hemoglobin H disease (ATMDS). Also called: Alpha-thalassemia myelodysplasia syndrome; Alpha-thalassemia myelodysplasia syndrome, somatic; Alpha-thalassemia-myelodysplastic syndrome. Identifiers: Orphanet 231401, MedGen C0585216, MONDO:0010328, OMIM 300448.
Alpha thalassemia-X-linked intellectual disability syndrome (ATRX). Also called: ALPHA-THALASSEMIA/MENTAL RETARDATION SYNDROME, X-LINKED; ATR, NONDELETION TYPE; ATR-X syndrome; Alpha thalassemia mental retardation syndrome, nondeletion type, X-linked; XLMR hypotonic face syndrome; X-linked alpha-thalassemia-mental retardation syndrome. Identifiers: Orphanet 847, MedGen C1845055, MONDO:0010519, OMIM 301040.
Intellectual disability-hypotonic facies syndrome, X-linked, 1 (MRXHF1). Also called: Carpenter-Waziri syndrome; HOLMES-GANG SYNDROME; XLMR-HYPOTONIC FACIES SYNDROME; Smith Fineman Myers syndrome 1; X-linked intellectual disability-hypotonic face syndrome; CHUDLEY-LOWRY SYNDROME. Identifiers: Orphanet 73220, Orphanet 93970, Orphanet 93971, Orphanet 93972, Orphanet 93973, Orphanet 93974, Orphanet 93975, MedGen C4759781, MONDO:0010663, OMIM 309580.

Submission:

Juno Genomics, Hangzhou Juno Genomics, Inc
Classification: Uncertain significance for Acquired hemoglobin H disease; Alpha thalassemia-X-linked intellectual disability syndrome; Intellectual disability-hypotonic facies syndrome, X-linked, 1. Review status: criteria provided, single submitter. Criteria: ACMG Guidelines, 2015. Collection method: clinical testing. Allele origin: germline.
Comment: Absent from controls (or at extremely low frequency if recessive) in Genome Aggregation Database.;Multiple lines of computational evidence support a deleterious effect on the gene or gene product.;Missense variant in a gene that has a low rate of benign missense variation.;Located in a mutational hot spot and/or critical and well-established functional domain without benign variation.

NM_000489.6(ATRX):c.602T>C (p.Phe201Ser)

Gene: ATRX (ATRX chromatin remodeler; minus strand). Cytogenetic location: Xq21.1.
Variant type: single nucleotide variant.
Coding change: c.602T>C on transcript NM_000489.6 (MANE Select); coding-DNA position 602, T replaced by C.
Protein change: p.Phe201Ser; replaces phenylalanine 201 with serine.
Molecular consequence: missense variant.
Genome position (GRCh38, 1-based): chrX:77,684,999, A>G on the plus strand (T>C on the coding strand, the complement: ATRX is on the minus strand). VCF-style: chrX-77684999-A-G. GRCh37 (hg19) VCF-style: chrX-76940491-A-G.
Other names: c.488T>C, p.Phe163Ser (NM_138270.5); short protein forms F163S, F201S.
Identifiers: ClinVar variation 5019746 (VCV005019746.2).